The following is an entry in ClinVar:

NM_000478.6(ALPL):c.1151C>T (p.Thr384Ile)

Gene: ALPL (alkaline phosphatase, biomineralization associated; plus strand). Cytogenetic location: 1p36.12.
Variant type: single nucleotide variant.
Coding change: c.1151C>T on transcript NM_000478.6 (MANE Select); coding-DNA position 1151, C replaced by T.
Protein change: p.Thr384Ile; replaces threonine 384 with isoleucine.
Molecular consequence: missense variant.
Genome position (GRCh38, 1-based): chr1:21,575,886, C>T. VCF-style: chr1-21575886-C-T. GRCh37 (hg19) VCF-style: chr1-21902379-C-T.
Other names: c.986C>T, p.Thr329Ile (NM_001127501.4); c.920C>T, p.Thr307Ile (NM_001177520.3); c.1151C>T, p.Thr384Ile (NM_001369803.2, NM_001369804.2, NM_001369805.2); short protein forms T329I, T307I, T384I.
Identifiers: ClinVar variation 1388719 (VCV001388719.6), dbSNP rs2148190082, ClinGen allele CA338881415.

ClinVar aggregate classification (germline): Uncertain significance (1 of 4 stars; one submission).

Submission:

Labcorp Genetics (formerly Invitae), Labcorp
Classification: Uncertain significance. Last evaluated: 2021-04-23. Review status: criteria provided, single submitter. Criteria: Invitae Variant Classification Sherloc (09022015). Collection method: clinical testing. Allele origin: germline.
Comment: In summary, the available evidence is currently insufficient to determine the role of this variant in disease. Therefore, it has been classified as a Variant of Uncertain Significance. Advanced modeling of protein sequence and biophysical properties (such as structural, functional, and spatial information, amino acid conservation, physicochemical variation, residue mobility, and thermodynamic stability) performed at Invitae indicates that this missense variant is expected to disrupt ALPL protein function. This variant has not been reported in the literature in individuals with ALPL-related conditions. This variant is not present in population databases (ExAC no frequency). This sequence change replaces threonine with isoleucine at codon 384 of the ALPL protein (p.Thr384Ile). The threonine residue is moderately conserved and there is a moderate physicochemical difference between threonine and isoleucine.